The following is an entry in ClinVar:

ClinVar aggregate classification (germline): Uncertain significance (1 of 4 stars; one submission).

Conditions:
Autosomal recessive polycystic kidney disease (ARPKD). Also called: AR polycystic kidney disease. Identifiers: Orphanet 731, Orphanet 8378, MedGen C0085548, MeSH D017044, MONDO:0009889.

gnomAD v4.1: 1 of 1,614,146 alleles (0.000062%); highest among the groups gnomAD compares: Non-Finnish European, 0.000085%; no homozygotes.

Submission:

Labcorp Genetics (formerly Invitae), Labcorp
Classification: Uncertain significance for Autosomal recessive polycystic kidney disease. Last evaluated: 2022-09-01. Review status: criteria provided, single submitter. Criteria: Invitae Variant Classification Sherloc (09022015). Collection method: clinical testing. Allele origin: germline.
Comment: In summary, the available evidence is currently insufficient to determine the role of this variant in disease. Therefore, it has been classified as a Variant of Uncertain Significance. Advanced modeling of protein sequence and biophysical properties (such as structural, functional, and spatial information, amino acid conservation, physicochemical variation, residue mobility, and thermodynamic stability) performed at Invitae indicates that this missense variant is not expected to disrupt PKHD1 protein function. This variant has not been reported in the literature in individuals affected with PKHD1-related conditions. This variant is not present in population databases (gnomAD no frequency). This sequence change replaces arginine, which is basic and polar, with glycine, which is neutral and non-polar, at codon 1390 of the PKHD1 protein (p.Arg1390Gly).

NM_138694.4(PKHD1):c.4168C>G (p.Arg1390Gly)

Gene: PKHD1 (PKHD1 ciliary IPT domain containing fibrocystin/polyductin; minus strand). Cytogenetic location: 6p12.2.
Variant type: single nucleotide variant.
Coding change: c.4168C>G on transcript NM_138694.4 (MANE Select); coding-DNA position 4168, C replaced by G.
Protein change: p.Arg1390Gly; replaces arginine 1390 with glycine.
Molecular consequence: missense variant.
Genome position (GRCh38, 1-based): chr6:52,025,642, G>C on the plus strand (C>G on the coding strand, the complement: PKHD1 is on the minus strand). VCF-style: chr6-52025642-G-C. GRCh37 (hg19) VCF-style: chr6-51890440-G-C.
Other names: c.4168C>G, p.Arg1390Gly (NM_170724.3); short protein forms R1390G.
Identifiers: ClinVar variation 1934016 (VCV001934016.5), dbSNP rs768458758, ClinGen allele CA364435385.